The following is an entry in ClinVar:

NM_005670.4(EPM2A):c.252C>G (p.Phe84Leu)

Genes: EPM2A (EPM2A glucan phosphatase, laforin; minus strand), EPM2A-DT (EPM2A divergent transcript; plus strand), LOC129997381 (ATAC-STARR-seq lymphoblastoid silent region 17642; plus strand). Cytogenetic location: 6q24.3.
Variant type: single nucleotide variant.
Coding change: c.252C>G on transcript NM_005670.4 (MANE Select); coding-DNA position 252, C replaced by G.
Protein change: p.Phe84Leu; replaces phenylalanine 84 with leucine.
Molecular consequence: missense variant. On other transcripts: 5 prime UTR variant (3), intron variant (1).
Genome position (GRCh38, 1-based): chr6:145,735,247, G>C on the plus strand (C>G on the coding strand, the complement: EPM2A is on the minus strand). VCF-style: chr6-145735247-G-C. GRCh37 (hg19) VCF-style: chr6-146056383-G-C.
Other names: c.252C>G, p.Phe84Leu (NM_001018041.2, NM_001360057.2, NM_001368130.1); c.-418C>G (NM_001360071.2); c.-372C>G (NM_001368129.2); c.-116C>G (NM_001368131.1); c.-114+661C>G (NM_001360064.2); short protein forms F84L.
Identifiers: ClinVar variation 1068373 (VCV001068373.9), dbSNP rs1362231306, ClinGen allele CA366187942.

ClinVar aggregate classification (germline): Likely pathogenic (1 of 4 stars; one submission).

Conditions:
Progressive myoclonic epilepsy. Also called: Familial progressive myoclonic epilepsy; Myoclonic Epilepsies, Progressive; Progressive myoclonus epilepsy; Myoclonus epilepsy. Identifiers: Orphanet 308, Orphanet 98261, MedGen C0751778, MONDO:0020074.

Submission:

Labcorp Genetics (formerly Invitae), Labcorp
Classification: Likely pathogenic for Progressive myoclonic epilepsy. Last evaluated: 2024-02-24. Review status: criteria provided, single submitter. Criteria: Invitae Variant Classification Sherloc (09022015). Collection method: clinical testing. Allele origin: germline.
Comment: This sequence change replaces phenylalanine, which is neutral and non-polar, with leucine, which is neutral and non-polar, at codon 84 of the EPM2A protein (p.Phe84Leu). This variant is not present in population databases (gnomAD no frequency). This missense change has been observed in individual(s) with Lafora disease (PMID: 11175283). This variant is also known as F83L. ClinVar contains an entry for this variant (Variation ID: 1068373). Advanced modeling of protein sequence and biophysical properties (such as structural, functional, and spatial information, amino acid conservation, physicochemical variation, residue mobility, and thermodynamic stability) has been performed at Invitae for this missense variant, however the output from this modeling did not meet the statistical confidence thresholds required to predict the impact of this variant on EPM2A protein function. Experimental studies have shown that this missense change affects EPM2A function (PMID: 14532330, 19403557, 34755096). In summary, the currently available evidence indicates that the variant is pathogenic, but additional data are needed to prove that conclusively. Therefore, this variant has been classified as Likely Pathogenic.

Literature cited by the submitters: PubMed 11175283; PubMed 14532330; PubMed 19403557; PubMed 34755096.